The following is an entry in ClinVar:

ClinVar aggregate classification (germline): Uncertain significance (1 of 4 stars; one submission).

Conditions:
Niemann-Pick disease, type C1. Also called: NIEMANN-PICK DISEASE, VARIANT TYPE C1; NEUROVISCERAL STORAGE DISEASE WITH VERTICAL SUPRANUCLEAR OPHTHALMOPLEGIA; NIEMANN-PICK DISEASE WITH CHOLESTEROL ESTERIFICATION BLOCK; NIEMANN-PICK DISEASE WITHOUT SPHINGOMYELINASE DEFICIENCY; NIEMANN-PICK DISEASE, CHRONIC NEURONOPATHIC FORM. Identifiers: Orphanet 646, MedGen C3179455, MONDO:0009757, OMIM 257220.

Allele frequency attached by ClinVar (database versions not stated): TOPMed 0.00001; ESP Exome Variant Server 0.00008.

Submission:

Labcorp Genetics (formerly Invitae), Labcorp
Classification: Uncertain significance for Niemann-Pick disease, type C1. Last evaluated: 2023-09-07. Review status: criteria provided, single submitter. Criteria: Invitae Variant Classification Sherloc (09022015). Collection method: clinical testing. Allele origin: germline.
Comment: ClinVar contains an entry for this variant (Variation ID: 2109363). This sequence change affects codon 971 of the NPC1 mRNA. It is a 'silent' change, meaning that it does not change the encoded amino acid sequence of the NPC1 protein. This variant is not present in population databases (gnomAD no frequency). This variant has not been reported in the literature in individuals affected with NPC1-related conditions. Algorithms developed to predict the effect of sequence changes on RNA splicing suggest that this variant may create or strengthen a splice site. In summary, the available evidence is currently insufficient to determine the role of this variant in disease. Therefore, it has been classified as a Variant of Uncertain Significance.

NM_000271.5(NPC1):c.2913G>A (p.Val971=)

Gene: NPC1 (NPC intracellular cholesterol transporter 1; minus strand). Cytogenetic location: 18q11.2.
Variant type: single nucleotide variant.
Coding change: c.2913G>A on transcript NM_000271.5 (MANE Select); coding-DNA position 2913, G replaced by A.
Protein change: p.Val971=; no amino-acid change (valine 971 retained).
Molecular consequence: synonymous variant.
Genome position (GRCh38, 1-based): chr18:23,538,670, C>T on the plus strand (G>A on the coding strand, the complement: NPC1 is on the minus strand). VCF-style: chr18-23538670-C-T. GRCh37 (hg19) VCF-style: chr18-21118634-C-T.
Identifiers: ClinVar variation 2109363 (VCV002109363.4), dbSNP rs367911777, ClinGen allele CA297080763.